The following is an entry in ClinVar:

ClinVar aggregate classification (germline): Pathogenic. Review status: criteria provided, multiple submitters, no conflicts (2 of 4 stars). 2 submissions from 2 submitters: Pathogenic (2). Last evaluated 2026-09-08.

Conditions:
Fabry disease. Also called: GLA DEFICIENCY; Fabry's disease; ALPHA-GALACTOSIDASE A DEFICIENCY; ANDERSON-FABRY DISEASE; CERAMIDE TRIHEXOSIDASE DEFICIENCY; Ceramide trihexosidosis. Identifiers: Orphanet 324, MedGen C0002986, MONDO:0010526, OMIM 301500, HP:0001071. Disease mechanism: Fabry disease is due to inactivating mutations in the X-linked GLA gene resulting in deficiency of the enzyme Alpha Galactosidase-A., loss of function.

Submissions (2):

Genomenon, Inc
Classification: Pathogenic for Fabry disease. Last evaluated: 2026-09-08. Review status: criteria provided, single submitter. Criteria: Genomenon Sequence Variant Interpretation Standards - Updated. Collection method: curation. Allele origin: germline. Affected: yes.
Comment: GLA p.Ala352AspfsTer22 (c.1055_1056del) is a frameshift variant that is predicted to introduce a premature termination codon and result in a truncated or absent protein product. This variant has been observed in at least one proband with clinical features consistent with Fabry disease (PMID:29079200). The variant was found to segregate with disease in at least one affected family (PMID:29079200). It is absent or not present at a significant frequency in gnomAD. In conclusion, we classify GLA p.Ala352AspfsTer22 (c.1055_1056del) as a pathogenic variant.

Women's Health and Genetics/Laboratory Corporation of America, LabCorp
Classification: Pathogenic for Fabry disease. Last evaluated: 2019-08-06. Review status: criteria provided, single submitter. Criteria: LabCorp Variant Classification Summary - May 2015. Collection method: clinical testing. Allele origin: germline.
Comment: Variant summary: GLA c.1055_1056delCT (p.Ala352AspfsX22) results in a premature termination codon, predicted to cause a truncation of the encoded protein or absence of the protein due to nonsense mediated decay, which are commonly known mechanisms for disease. Truncations downstream of this position have been classified as pathogenic by our laboratory. The variant was absent in 183244 control chromosomes. c.1055_1056delCT has been reported in the literature in multiple family members affected with Fabry Disease (Juchniewicz_2018). To our knowledge, no experimental evidence demonstrating an impact on protein function has been reported. No clinical diagnostic laboratories have submitted clinical-significance assessments for this variant to ClinVar after 2014. Based on the evidence outlined above, the variant was classified as pathogenic.

Literature cited by the submitters: PubMed 29079200 (cited by Genomenon, Inc and Women's Health and Genetics/Laboratory Corporation of America, LabCorp).

NM_000169.3(GLA):c.1055_1056del (p.Ala352fs)

Genes: GLA (galactosidase alpha; minus strand), RPL36A-HNRNPH2 (RPL36A-HNRNPH2 readthrough; plus strand). Cytogenetic location: Xq22.1.
Variant type: Deletion.
Coding change: c.1055_1056del on transcript NM_000169.3 (MANE Select); coding-DNA positions 1055 to 1056, 2 bases deleted (CT; older notation c.1055_1056delCT).
Protein change: p.Ala352fs; shifts the reading frame from alanine 352.
Molecular consequence: frameshift variant. On other transcripts: non-coding transcript variant (3), intron variant (2).
Genome position (GRCh38, 1-based): chrX:101,398,043-101,398,044, AG deleted on the plus strand (CT on the coding strand, the reverse complement: GLA is on the minus strand). VCF-style (leftmost placement, unchanged base first): chrX-101398042-TAG-T. GRCh37 (hg19) VCF-style: chrX-100653030-TAG-T.
Other names: c.1178_1179del, p.Ala393fs (NM_001406747.1); c.300+2586_300+2587del (NM_001199973.2); c.177+6221_177+6222del (NM_001199974.2); short protein forms A352fs, A393fs.
Identifiers: ClinVar variation 495690 (VCV000495690.4), dbSNP rs1555984840, ClinGen allele CA658684321.